The following is an entry in ClinVar:

NM_001385079.1(PDE10A):c.1202G>C (p.Cys401Ser)

Gene: PDE10A (phosphodiesterase 10A; minus strand). Cytogenetic location: 6q27.
Variant type: single nucleotide variant.
Coding change: c.1202G>C on transcript NM_001385079.1 (MANE Select); coding-DNA position 1202, G replaced by C.
Protein change: p.Cys401Ser; replaces cysteine 401 with serine.
Molecular consequence: missense variant.
Genome position (GRCh38, 1-based): chr6:165,435,370, C>G on the plus strand (G>C on the coding strand, the complement: PDE10A is on the minus strand). VCF-style: chr6-165435370-C-G. GRCh37 (hg19) VCF-style: chr6-165848858-C-G.
Other names: c.404G>C (NM_001130690.2); c.404G>C, p.Cys135Ser (NM_001130690.3); c.374G>C, p.Cys125Ser (NM_006661.4); short protein forms C135S, C401S, C125S.
Identifiers: ClinVar variation 2054551 (VCV002054551.6), dbSNP rs199680048, ClinGen allele CA4092469.

ClinVar aggregate classification (germline): Likely benign. Review status: criteria provided, single submitter (1 of 4 stars). 2 submissions from 2 submitters: Likely benign (1). 1 of the submissions does not count toward it. Last evaluated 2025-10-09.

Conditions:
PDE10A-related disorder. Also called: PDE10A-related condition.

Allele frequency attached by ClinVar (database versions not stated): gnomAD 0.00013; TOPMed 0.00018; 1000 Genomes Project 30x 0.00062; 1000 Genomes Project 0.00080.
gnomAD v4.1: 109 of 1,613,790 alleles (0.0068%); highest among the groups gnomAD compares: East Asian, 0.2%; no homozygotes.

Submissions (2):

Labcorp Genetics (formerly Invitae), Labcorp
Classification: Likely benign. Last evaluated: 2025-10-09. Review status: criteria provided, single submitter. Criteria: Invitae Variant Classification Sherloc (09022015). Collection method: clinical testing. Allele origin: germline.

PreventionGenetics, part of Exact Sciences
Classification: Likely benign for PDE10A-related condition. Last evaluated: 2019-10-23. Review status: no assertion criteria provided. Collection method: clinical testing. Allele origin: germline. Not counted in ClinVar's aggregate classification.
Comment: This variant is classified as likely benign based on ACMG/AMP sequence variant interpretation guidelines (Richards et al. 2015 PMID: 25741868, with internal and published modifications).